The following is an entry in ClinVar:

NM_001122681.2(SH3BP2):c.569A>C (p.Glu190Ala)

Gene: SH3BP2 (SH3 domain binding protein 2; plus strand). Cytogenetic location: 4p16.3.
Variant type: single nucleotide variant.
Coding change: c.569A>C on transcript NM_001122681.2 (MANE Select); coding-DNA position 569, A replaced by C.
Protein change: p.Glu190Ala; replaces glutamic acid 190 with alanine.
Molecular consequence: missense variant.
Genome position (GRCh38, 1-based): chr4:2,827,657, A>C. VCF-style: chr4-2827657-A-C. GRCh37 (hg19) VCF-style: chr4-2829384-A-C.
Other names: c.653A>C, p.Glu218Ala (NM_001145855.2); c.740A>C, p.Glu247Ala (NM_001145856.2); c.569A>C, p.Glu190Ala (NM_003023.4); short protein forms E190A, E218A, E247A.
Identifiers: ClinVar variation 2417783 (VCV002417783.7), dbSNP rs956936364, ClinGen allele CA91410244.

ClinVar aggregate classification (germline): Uncertain significance. Review status: criteria provided, multiple submitters, no conflicts (2 of 4 stars). 2 submissions from 2 submitters: Uncertain significance (2). Last evaluated 2025-01-21.

Conditions:
Fibrous dysplasia of jaw (CRBM). Also called: Cherubism. Identifiers: Orphanet 184, MedGen C0008029, MONDO:0007315, OMIM 118400.
Inborn genetic diseases. Identifiers: MedGen C0950123, MeSH D030342.

Allele frequency attached by ClinVar (database versions not stated): gnomAD 0.00001; gnomAD exomes 0.00001; TOPMed 0.00002.
gnomAD v4.1: 16 of 1,456,768 alleles (0.0011%); highest among the groups gnomAD compares: Non-Finnish European, 0.0014%; no homozygotes.

Submissions (2):

Ambry Genetics
Classification: Uncertain significance for Inborn genetic diseases. Last evaluated: 2025-01-21. Review status: criteria provided, single submitter. Criteria: Ambry Variant Classification Scheme 2023. Collection method: clinical testing. Allele origin: germline.

Labcorp Genetics (formerly Invitae), Labcorp
Classification: Uncertain significance for Fibrous dysplasia of jaw. Last evaluated: 2023-04-26. Review status: criteria provided, single submitter. Criteria: Invitae Variant Classification Sherloc (09022015). Collection method: clinical testing. Allele origin: germline.
Comment: ClinVar contains an entry for this variant (Variation ID: 2417783). This variant has not been reported in the literature in individuals affected with SH3BP2-related conditions. This variant is present in population databases (no rsID available, gnomAD 0.0009%). This sequence change replaces glutamic acid, which is acidic and polar, with alanine, which is neutral and non-polar, at codon 190 of the SH3BP2 protein (p.Glu190Ala). Advanced modeling of protein sequence and biophysical properties (such as structural, functional, and spatial information, amino acid conservation, physicochemical variation, residue mobility, and thermodynamic stability) performed at Invitae indicates that this missense variant is not expected to disrupt SH3BP2 protein function. In summary, the available evidence is currently insufficient to determine the role of this variant in disease. Therefore, it has been classified as a Variant of Uncertain Significance.